The following is an entry in ClinVar:

NM_003924.4(PHOX2B):c.610C>G (p.Pro204Ala)

Gene: PHOX2B (paired like homeobox 2B; minus strand). Cytogenetic location: 4p13.
Variant type: single nucleotide variant.
Coding change: c.610C>G on transcript NM_003924.4 (MANE Select); coding-DNA position 610, C replaced by G.
Protein change: p.Pro204Ala; replaces proline 204 with alanine.
Molecular consequence: missense variant.
Genome position (GRCh38, 1-based): chr4:41,746,142, G>C on the plus strand (C>G on the coding strand, the complement: PHOX2B is on the minus strand). VCF-style: chr4-41746142-G-C. GRCh37 (hg19) VCF-style: chr4-41748159-G-C.
Other names: short protein forms P204A.
Identifiers: ClinVar variation 574119 (VCV000574119.19), dbSNP rs1292727082, ClinGen allele CA356737746.
Genomic context (GRCh38, chr4:41,746,142, plus strand): 5'-GAGCTCCAGCCGGGCTGGGCCCGCCGCCGCCGCCTCCATTCGCCCCGCAGCTGGGGGTGG[G>C]GTTGGGATTGGGACCTGGGCCCCCAGTGCTGTCCGGGTCAGTGCTCTTGGCCTCTTTGCT-3'
Protein context (NP_003915.2, residues 194-214): STGGPGPNPN[Pro204Ala]TPSCGANGGG

ClinVar aggregate classification (germline): Uncertain significance. Review status: criteria provided, multiple submitters, no conflicts (2 of 4 stars). 4 submissions from 4 submitters: Uncertain significance (4). Last evaluated 2024-03-23.

Conditions:
Haddad syndrome (OHD). Also called: Ondine-Hirschsprung disease. Identifiers: Orphanet 99803, MedGen C1859049, MONDO:0020493.
Neuroblastoma, susceptibility to, 2. Identifiers: Orphanet 635, MedGen C2751682, MONDO:0700041, OMIM 613013.
Hereditary cancer-predisposing syndrome. Also called: Neoplastic Syndromes, Hereditary; Hereditary Cancer Syndrome; Tumor predisposition; Hereditary neoplastic syndrome. Identifiers: Orphanet 140162, MedGen C0027672, MeSH D009386, MONDO:0015356.

Allele frequency attached by ClinVar (database versions not stated): gnomAD exomes below 0.00001.
gnomAD v4.1: 4 of 1,609,172 alleles (0.00025%); highest among the groups gnomAD compares: Non-Finnish European, 0.00034%; no homozygotes.

Submissions (4):

Ambry Genetics
Classification: Uncertain significance for Hereditary cancer-predisposing syndrome. Last evaluated: 2024-03-23. Review status: criteria provided, single submitter. Criteria: Ambry Variant Classification Scheme 2023. Collection method: clinical testing. Allele origin: germline.
Comment: The p.P204A variant (also known as c.610C>G), located in coding exon 3 of the PHOX2B gene, results from a C to G substitution at nucleotide position 610. The proline at codon 204 is replaced by alanine, an amino acid with highly similar properties. This amino acid position is well conserved in available vertebrate species. In addition, this alteration is predicted to be tolerated by in silico analysis. Since supporting evidence is limited at this time, the clinical significance of this alteration remains unclear.

Baylor Genetics
Classification: Uncertain significance for Neuroblastoma, susceptibility to, 2. Last evaluated: 2024-03-17. Review status: criteria provided, single submitter. Criteria: ACMG Guidelines, 2015. Collection method: clinical testing. Allele origin: unknown.

Labcorp Genetics (formerly Invitae), Labcorp
Classification: Uncertain significance for Haddad syndrome. Last evaluated: 2023-12-05. Review status: criteria provided, single submitter. Criteria: Invitae Variant Classification Sherloc (09022015). Collection method: clinical testing. Allele origin: germline.
Comment: This sequence change replaces proline, which is neutral and non-polar, with alanine, which is neutral and non-polar, at codon 204 of the PHOX2B protein (p.Pro204Ala). This variant is not present in population databases (gnomAD no frequency). This variant has not been reported in the literature in individuals affected with PHOX2B-related conditions. ClinVar contains an entry for this variant (Variation ID: 574119). Advanced modeling of protein sequence and biophysical properties (such as structural, functional, and spatial information, amino acid conservation, physicochemical variation, residue mobility, and thermodynamic stability) performed at Invitae indicates that this missense variant is not expected to disrupt PHOX2B protein function with a negative predictive value of 80%. In summary, the available evidence is currently insufficient to determine the role of this variant in disease. Therefore, it has been classified as a Variant of Uncertain Significance.

Institute for Clinical Genetics, University Hospital TU Dresden, University Hospital TU Dresden
Classification: Uncertain significance. Last evaluated: 2021-11-03. Review status: criteria provided, single submitter. Criteria: ACMG Guidelines, 2015. Collection method: clinical testing. Allele origin: germline.